The following is an entry in ClinVar:

NM_000051.4(ATM):c.1561A>C (p.Arg521=)

Gene: ATM (ATM serine/threonine kinase; plus strand). Cytogenetic location: 11q22.3.
Variant type: single nucleotide variant.
Coding change: c.1561A>C on transcript NM_000051.4 (MANE Select); coding-DNA position 1561, A replaced by C.
Protein change: p.Arg521=; no amino-acid change (arginine 521 retained).
Molecular consequence: synonymous variant.
Genome position (GRCh38, 1-based): chr11:108,251,026, A>C. VCF-style: chr11-108251026-A-C. GRCh37 (hg19) VCF-style: chr11-108121753-A-C.
Other names: c.1561A>C, p.Arg521= (NM_001351834.2).
Identifiers: ClinVar variation 1113372 (VCV001113372.10), dbSNP rs2080118357, ClinGen allele CA476744902.

ClinVar aggregate classification (germline): Benign/Likely benign. Review status: criteria provided, multiple submitters, no conflicts (2 of 4 stars). 2 submissions from 2 submitters: Benign (1); Likely benign (1). Last evaluated 2024-04-29.

Conditions:
Familial cancer of breast. Also called: Hereditary breast cancer; hereditary breast carcinoma; BREAST CANCER, FAMILIAL. Identifiers: Orphanet 227535, MedGen C0346153, MONDO:0016419, OMIM 114480. Disease mechanism: loss of function.
Ataxia-telangiectasia syndrome (AT). Also called: Ataxia-telangiectasia, complementation group D; Ataxia telangiectasia (A-T); LOUIS-BAR SYNDROME; AT, COMPLEMENTATION GROUP C; Ataxia-telangiectasia; ATAXIA-TELANGIECTASIA, COMPLEMENTATION GROUP A. Identifiers: Orphanet 100, MedGen C0004135, MONDO:0008840, OMIM 208900.

Submissions (2):

Myriad Genetics, Inc.
Classification: Benign for Familial cancer of breast. Last evaluated: 2024-04-29. Review status: criteria provided, single submitter. Criteria: Myriad Autosomal Dominant, Autosomal Recessive and X-Linked Classification Criteria (2023). Collection method: clinical testing. Allele origin: unknown.
Comment: This variant is considered benign. This variant is a silent/synonymous amino acid change and it is not expected to impact splicing.

Labcorp Genetics (formerly Invitae), Labcorp
Classification: Likely benign for Ataxia-telangiectasia syndrome. Last evaluated: 2020-08-31. Review status: criteria provided, single submitter. Criteria: Invitae Variant Classification Sherloc (09022015). Collection method: clinical testing. Allele origin: germline.